The following is an entry in ClinVar:

NM_133642.5(LARGE1):c.2073+12G>T

Gene: LARGE1 (LARGE xylosyl- and glucuronyltransferase 1; minus strand). Cytogenetic location: 22q12.3.
Variant type: single nucleotide variant.
Coding change: c.2073+12G>T on transcript NM_133642.5 (MANE Select); 12 bases into the intron after coding-DNA position 2073, G replaced by T.
Molecular consequence: intron variant.
Genome position (GRCh38, 1-based): chr22:33,277,048, C>A on the plus strand (G>T on the coding strand, the complement: LARGE1 is on the minus strand). VCF-style: chr22-33277048-C-A. GRCh37 (hg19) VCF-style: chr22-33673034-C-A.
Other names: c.2073+12G>T (NM_001362953.2, NM_001362949.2, NM_001362951.2 and 4 more transcripts); c.1926+12G>T (NM_001378627.1, NM_001378628.1); c.1917+12G>T (NM_001378629.1); c.1167+12G>T (NM_001378631.1); c.1470+12G>T (NM_001378630.1).
Identifiers: ClinVar variation 259532 (VCV000259532.9), dbSNP rs377566674, ClinGen allele CA10202580.

ClinVar aggregate classification (germline): Likely benign. Review status: criteria provided, multiple submitters, no conflicts (2 of 4 stars). 3 submissions from 3 submitters: Likely benign (3). Last evaluated 2025-02-25.

Conditions:
Muscular dystrophy-dystroglycanopathy type B6 (MDDGB6). Also called: MUSCULAR DYSTROPHY-DYSTROGLYCANOPATHY (CONGENITAL WITH IMPAIRED INTELLECTUAL DEVELOPMENT), TYPE B, 6; MUSCULAR DYSTROPHY, CONGENITAL, LARGE-RELATED; MUSCULAR DYSTROPHY, CONGENITAL, TYPE 1D. Identifiers: MedGen C1837229, MONDO:0012138, OMIM 608840.

Allele frequency attached by ClinVar (database versions not stated): TOPMed 0.00003.
gnomAD v4.1: 39 of 1,613,456 alleles (0.0024%); highest among the groups gnomAD compares: Middle Eastern, 0.066%; no homozygotes.

Submissions (3):

Labcorp Genetics (formerly Invitae), Labcorp
Classification: Likely benign for Muscular dystrophy-dystroglycanopathy type B6. Last evaluated: 2025-02-25. Review status: criteria provided, single submitter. Criteria: Invitae Variant Classification Sherloc (09022015). Collection method: clinical testing. Allele origin: germline.

GeneDx
Classification: Likely benign. Last evaluated: 2017-09-29. Review status: criteria provided, single submitter. Criteria: GeneDx Variant Classification (06012015). Collection method: clinical testing. Allele origin: germline. Affected: yes.
Comment: This variant is considered likely benign or benign based on one or more of the following criteria: it is a conservative change, it occurs at a poorly conserved position in the protein, it is predicted to be benign by multiple in silico algorithms, and/or has population frequency not consistent with disease.

PreventionGenetics, part of Exact Sciences
Classification: Likely benign. Review status: criteria provided, single submitter. Criteria: ACMG Guidelines, 2015. Collection method: clinical testing. Allele origin: germline.